The following is an entry in ClinVar:

NM_001378452.1(ITPR1):c.1533A>T (p.Arg511Ser)

Gene: ITPR1 (inositol 1,4,5-trisphosphate receptor type 1; plus strand). Cytogenetic location: 3p26.1.
Variant type: single nucleotide variant.
Coding change: c.1533A>T on transcript NM_001378452.1 (MANE Select); coding-DNA position 1533, A replaced by T.
Protein change: p.Arg511Ser; replaces arginine 511 with serine.
Molecular consequence: missense variant.
Genome position (GRCh38, 1-based): chr3:4,663,185, A>T. VCF-style: chr3-4663185-A-T. GRCh37 (hg19) VCF-style: chr3-4704869-A-T.
Other names: p.Arg496Ser; c.1533A>T, p.Arg511Ser (NM_001099952.4); c.1488A>T, p.Arg496Ser (NM_001168272.2, NM_002222.7); short protein forms R496S, R511S.
Identifiers: ClinVar variation 3252734 (VCV003252734.2), dbSNP rs2470706402.
Genomic context (GRCh38, chr3:4,663,185, plus strand): 5'-TCAAGATGTTCTCGAAGTTGTCTTCTCCAAGCCCAACAGAGAACGGCAGAAACTGATGAG[A>T]GAACAGAATATTCTCAAGCAGGTCGGTGAGATGTGGCGTACTGGGGATTTGGCTTTATGA-3'
Protein context (NP_001365381.1, residues 501-521): KPNRERQKLM[Arg511Ser]EQNILKQIFK

ClinVar aggregate classification (germline): Likely pathogenic. Review status: criteria provided, multiple submitters, no conflicts (2 of 4 stars). 2 submissions from 2 submitters: Likely pathogenic (2). Last evaluated 2026-06-04.

Conditions:
Spinocerebellar ataxia type 29 (SCA29). Also called: Spinocerebellar ataxia 29, congenital nonprogressive; CEREBELLAR ATAXIA, CONGENITAL NONPROGRESSIVE, AUTOSOMAL DOMINANT. Identifiers: Orphanet 208513, MedGen C1861732, MONDO:0007298, OMIM 117360.

Submissions (2):

Undiagnosed Diseases Network, NIH
Classification: Likely pathogenic for Spinocerebellar ataxia type 29. Last evaluated: 2026-06-04. Review status: criteria provided, single submitter. Criteria: ACMG Guidelines, 2015. Collection method: clinical testing. Allele origin: de novo. Inheritance: Autosomal dominant inheritance. Affected: yes. Observed: 1 variant allele, 1 heterozygote. Study: Undiagnosed Diseases Network, UDN.
Comment: De novo occurrence, likely pathogenic missense change at the same residue, and presentation consistent with the SCA29 spectrum.

GeneDx
Classification: Likely pathogenic. Last evaluated: 2026-05-07. Review status: criteria provided, single submitter. Criteria: GeneDx Variant Classification Process June 2021. Collection method: clinical testing. Allele origin: germline.
Comment: Not observed at significant frequency in large population cohorts (gnomAD); In silico analysis supports that this missense variant has a deleterious effect on protein structure/function; Has not been previously published as pathogenic or benign to our knowledge